The following is an entry in ClinVar:

ClinVar aggregate classification (germline): Uncertain significance (1 of 4 stars; one submission).

Conditions:
Juvenile polyposis syndrome (JPS). Identifiers: Orphanet 2929, MedGen C0345893, MONDO:0017380, OMIM 174900.

Submission:

Labcorp Genetics (formerly Invitae), Labcorp
Classification: Uncertain significance for Juvenile polyposis syndrome. Last evaluated: 2021-08-30. Review status: criteria provided, single submitter. Criteria: Invitae Variant Classification Sherloc (09022015). Collection method: clinical testing. Allele origin: germline.
Comment: This sequence change replaces glutamic acid with glutamine at codon 194 of the BMPR1A protein (p.Glu194Gln). The glutamic acid residue is moderately conserved and there is a small physicochemical difference between glutamic acid and glutamine. This variant is not present in population databases (ExAC no frequency). This variant has not been reported in the literature in individuals affected with BMPR1A-related conditions. Advanced modeling of protein sequence and biophysical properties (such as structural, functional, and spatial information, amino acid conservation, physicochemical variation, residue mobility, and thermodynamic stability) performed at Invitae indicates that this missense variant is not expected to disrupt BMPR1A protein function. In summary, the available evidence is currently insufficient to determine the role of this variant in disease. Therefore, it has been classified as a Variant of Uncertain Significance.

NM_004329.3(BMPR1A):c.580G>C (p.Glu194Gln)

Gene: BMPR1A (bone morphogenetic protein receptor type 1A; plus strand). Cytogenetic location: 10q23.2.
Variant type: single nucleotide variant.
Coding change: c.580G>C on transcript NM_004329.3 (MANE Select); coding-DNA position 580, G replaced by C.
Protein change: p.Glu194Gln; replaces glutamic acid 194 with glutamine.
Molecular consequence: missense variant.
Genome position (GRCh38, 1-based): chr10:86,912,289, G>C. VCF-style: chr10-86912289-G-C. GRCh37 (hg19) VCF-style: chr10-88672046-G-C.
Other names: short protein forms E194Q.
Identifiers: ClinVar variation 1487329 (VCV001487329.6), dbSNP rs2133544661, ClinGen allele CA377454533.